The following is an entry in ClinVar:

NM_030662.4(MAP2K2):c.1197C>T (p.Ala399=)

Gene: MAP2K2 (mitogen-activated protein kinase kinase 2; minus strand). Cytogenetic location: 19p13.3.
Variant type: single nucleotide variant.
Coding change: c.1197C>T on transcript NM_030662.4 (MANE Select); coding-DNA position 1197, C replaced by T.
Protein change: p.Ala399=; no amino-acid change (alanine 399 retained).
Molecular consequence: synonymous variant.
Genome position (GRCh38, 1-based): chr19:4,090,604, G>A on the plus strand (C>T on the coding strand, the complement: MAP2K2 is on the minus strand). VCF-style: chr19-4090604-G-A. GRCh37 (hg19) VCF-style: chr19-4090602-G-A.
Identifiers: ClinVar variation 496470 (VCV000496470.12), dbSNP rs987393686, ClinGen allele CA304445689.

ClinVar aggregate classification (germline): Likely benign. Review status: criteria provided, multiple submitters, no conflicts (2 of 4 stars). 4 submissions from 4 submitters: Likely benign (4). Last evaluated 2026-01-13.

Conditions:
RASopathy. Also called: Noonan spectrum disorder; rasopathies. Identifiers: Orphanet 536391, MedGen C5555857, MONDO:0021060.
Cardiovascular phenotype. Identifiers: MedGen CN230736.

Allele frequency attached by ClinVar (database versions not stated): gnomAD 0.00002; TOPMed 0.00002.
gnomAD v4.1: 43 of 1,550,852 alleles (0.0028%); highest among the groups gnomAD compares: Admixed American, 0.0039%; no homozygotes.

Submissions (4):

Labcorp Genetics (formerly Invitae), Labcorp
Classification: Likely benign for RASopathy. Last evaluated: 2026-01-13. Review status: criteria provided, single submitter. Criteria: Invitae Variant Classification Sherloc (09022015). Collection method: clinical testing. Allele origin: germline.

Ambry Genetics
Classification: Likely benign for Cardiovascular phenotype. Last evaluated: 2021-08-05. Review status: criteria provided, single submitter. Criteria: Ambry Variant Classification Scheme 2023. Collection method: clinical testing. Allele origin: germline.

Women's Health and Genetics/Laboratory Corporation of America, LabCorp
Classification: Likely benign. Last evaluated: 2019-08-28. Review status: criteria provided, single submitter. Criteria: LabCorp Variant Classification Summary - May 2015. Collection method: clinical testing. Allele origin: germline.

GeneDx
Classification: Likely benign. Last evaluated: 2018-02-05. Review status: criteria provided, single submitter. Criteria: GeneDx Variant Classification (06012015). Collection method: clinical testing. Allele origin: germline. Affected: yes.
Comment: This variant is considered likely benign or benign based on one or more of the following criteria: it is a conservative change, it occurs at a poorly conserved position in the protein, it is predicted to be benign by multiple in silico algorithms, and/or has population frequency not consistent with disease.